The following is an entry in ClinVar:

ClinVar aggregate classification (germline): Pathogenic (1 of 4 stars; one submission).

Conditions:
Cardiovascular phenotype. Identifiers: MedGen CN230736.

Submission:

Ambry Genetics
Classification: Pathogenic for Cardiovascular phenotype. Last evaluated: 2023-05-19. Review status: criteria provided, single submitter. Criteria: Ambry Variant Classification Scheme 2023. Collection method: clinical testing. Allele origin: germline.
Comment: The c.3720dupT pathogenic mutation, located in coding exon 33 of the MYBPC3 gene, results from a duplication of T at nucleotide position 3720, causing a translational frameshift with a predicted alternate stop codon (p.R1241*). This variant is considered to be rare based on population cohorts in the Genome Aggregation Database (gnomAD). This alteration is expected to result in loss of function by premature protein truncation or nonsense-mediated mRNA decay. As such, this alteration is interpreted as a disease-causing mutation.

NM_000256.3(MYBPC3):c.3720dup (p.Arg1241Ter)

Gene: MYBPC3 (myosin binding protein C3; minus strand). Cytogenetic location: 11p11.2.
Variant type: Duplication.
Coding change: c.3720dup on transcript NM_000256.3 (MANE Select); coding-DNA position 3720, one base duplicated (T; older notation c.3720dupT).
Protein change: p.Arg1241Ter; replaces arginine 1241 with a stop codon.
Molecular consequence: nonsense.
Genome position (GRCh38, 1-based): chr11:47,332,166, A duplicated on the plus strand (T on the coding strand, the reverse complement: MYBPC3 is on the minus strand); the first of 2 consecutive A bases (chr11:47,332,166-47,332,167); duplicating either gives the same sequence. VCF-style (leftmost placement, unchanged base first): chr11-47332165-T-TA. GRCh37 (hg19) VCF-style: chr11-47353716-T-TA.
Other names: c.3720dupT (NM_000256.3); short protein forms R1241*.
Identifiers: ClinVar variation 2563090 (VCV002563090.2), dbSNP rs2495736329, ClinGen allele CA2580615674.